The following is an entry in ClinVar:

ClinVar aggregate classification (germline): Conflicting classifications of pathogenicity. Review status: criteria provided, conflicting classifications (1 of 4 stars). 2 submissions from 2 submitters: Likely pathogenic (1); Uncertain significance (1). Last evaluated 2025-06-20.

Conditions:
Retinal dystrophy. Also called: Inherited retinal dystrophy. Identifiers: Orphanet 71862, MedGen C0854723, MeSH D058499, MONDO:0019118, HP:0000556.

Allele frequency attached by ClinVar (database versions not stated): ExAC 0.00001.
gnomAD v4.1: 9 of 1,614,012 alleles (0.00056%); highest among the groups gnomAD compares: African/African-American, 0.0013%; no homozygotes.

Submissions (2):

Labcorp Genetics (formerly Invitae), Labcorp
Classification: Uncertain significance. Last evaluated: 2025-06-20. Review status: criteria provided, single submitter. Criteria: Invitae Variant Classification Sherloc (09022015). Collection method: clinical testing. Allele origin: germline.
Comment: This sequence change replaces isoleucine, which is neutral and non-polar, with threonine, which is neutral and polar, at codon 753 of the DHX38 protein (p.Ile753Thr). This variant is present in population databases (rs760947148, gnomAD 0.002%). This variant has not been reported in the literature in individuals affected with DHX38-related conditions. ClinVar contains an entry for this variant (Variation ID: 1467915). Invitae Evidence Modeling of protein sequence and biophysical properties (such as structural, functional, and spatial information, amino acid conservation, physicochemical variation, residue mobility, and thermodynamic stability) indicates that this missense variant is expected to disrupt DHX38 protein function with a positive predictive value of 80%. In summary, the available evidence is currently insufficient to determine the role of this variant in disease. Therefore, it has been classified as a Variant of Uncertain Significance.

Dept Of Ophthalmology, Nagoya University
Classification: Likely pathogenic for Retinal dystrophy. Last evaluated: 2023-10-01. Review status: criteria provided, single submitter. Criteria: Submitter's publication. Collection method: research. Allele origin: germline. Affected: yes.

NM_014003.4(DHX38):c.2258T>C (p.Ile753Thr)

Gene: DHX38 (DEAH-box helicase 38; plus strand). Cytogenetic location: 16q22.2.
Variant type: single nucleotide variant.
Coding change: c.2258T>C on transcript NM_014003.4 (MANE Select); coding-DNA position 2258, T replaced by C.
Protein change: p.Ile753Thr; replaces isoleucine 753 with threonine.
Molecular consequence: missense variant.
Genome position (GRCh38, 1-based): chr16:72,105,133, T>C. VCF-style: chr16-72105133-T-C. GRCh37 (hg19) VCF-style: chr16-72139032-T-C.
Other names: short protein forms I753T.
Identifiers: ClinVar variation 1467915 (VCV001467915.7), dbSNP rs760947148, ClinGen allele CA8160576.